The following is an entry in ClinVar:

ClinVar aggregate classification (germline): Uncertain significance (1 of 4 stars; one submission).

Allele frequency attached by ClinVar (database versions not stated): gnomAD 0.00002; ExAC 0.00003; TOPMed 0.00003; ESP Exome Variant Server 0.00015.

Submission:

Labcorp Genetics (formerly Invitae), Labcorp
Classification: Uncertain significance. Last evaluated: 2024-04-29. Review status: criteria provided, single submitter. Criteria: Invitae Variant Classification Sherloc (09022015). Collection method: clinical testing. Allele origin: germline.
Comment: This sequence change replaces glutamic acid, which is acidic and polar, with lysine, which is basic and polar, at codon 826 of the NEFH protein (p.Glu826Lys). This variant is present in population databases (rs140636538, gnomAD 0.02%). This variant has not been reported in the literature in individuals affected with NEFH-related conditions. Advanced modeling of protein sequence and biophysical properties (such as structural, functional, and spatial information, amino acid conservation, physicochemical variation, residue mobility, and thermodynamic stability) performed at Invitae indicates that this missense variant is not expected to disrupt NEFH protein function with a negative predictive value of 95%. In summary, the available evidence is currently insufficient to determine the role of this variant in disease. Therefore, it has been classified as a Variant of Uncertain Significance.

NM_021076.4(NEFH):c.2476G>A (p.Glu826Lys)

Gene: NEFH (neurofilament heavy chain; plus strand). Cytogenetic location: 22q12.2.
Variant type: single nucleotide variant.
Coding change: c.2476G>A on transcript NM_021076.4 (MANE Select); coding-DNA position 2476, G replaced by A.
Protein change: p.Glu826Lys; replaces glutamic acid 826 with lysine.
Molecular consequence: missense variant.
Genome position (GRCh38, 1-based): chr22:29,490,116, G>A. VCF-style: chr22-29490116-G-A. GRCh37 (hg19) VCF-style: chr22-29886105-G-A.
Other names: short protein forms E826K.
Identifiers: ClinVar variation 2709052 (VCV002709052.3), dbSNP rs140636538, ClinGen allele CA10174436.
Genomic context (GRCh38, chr22:29,490,116, plus strand): 5'-GATGCCAAGGCCCCTGAGAAGGAGATCCCAAAAAAGGAAGAGGTGAAGTCCCCAGTGAAG[G>A]AGGAGGAGAAGCCCCAGGAGGTGAAAGTCAAAGAGCCCCCAAAGAAGGCAGAGGAAGAGA-3'
Protein context (NP_066554.2, residues 816-836): KKEEVKSPVK[Glu826Lys]EEKPQEVKVK